The following is an entry in ClinVar:

ClinVar aggregate classification (germline): Uncertain significance (1 of 4 stars; one submission).

Submission:

Labcorp Genetics (formerly Invitae), Labcorp
Classification: Uncertain significance. Last evaluated: 2025-10-26. Review status: criteria provided, single submitter. Criteria: Invitae Variant Classification Sherloc (09022015). Collection method: clinical testing. Allele origin: germline.
Comment: This variant, c.264_266del, results in the deletion of 1 amino acid(s) of the ARIH1 protein (p.Gly90del), but otherwise preserves the integrity of the reading frame. The frequency data for this variant in the population databases is considered unreliable, as metrics indicate poor data quality at this position in the gnomAD database. This variant has not been reported in the literature in individuals affected with ARIH1-related conditions. Experimental studies and prediction algorithms are not available or were not evaluated, and the functional significance of this variant is currently unknown. In summary, the available evidence is currently insufficient to determine the role of this variant in disease. Therefore, it has been classified as a Variant of Uncertain Significance.

NM_005744.5(ARIH1):c.258TGG[2] (p.Gly90del)

Gene: ARIH1 (ariadne RBR E3 ubiquitin protein ligase 1; plus strand). Cytogenetic location: 15q24.1.
Variant type: Microsatellite.
Coding change: c.258TGG[2] on transcript NM_005744.5 (MANE Select); two copies in a row of the 3-base unit TGG starting at c.258; the reference has three copies in a row; one copy, 3 bases deleted.
Protein change: p.Gly90del; deletes glycine 90.
Genome position (GRCh38, 1-based): chr15:72,474,903-72,474,905, TGG deleted; deleting any 3 consecutive bases within chr15:72,474,895-72,474,905 gives the same sequence; the position shown is the placement nearest the transcript's 3' end. VCF-style (leftmost placement, unchanged base first): chr15-72474894-CGGT-C. GRCh37 (hg19) VCF-style: chr15-72767235-CGGT-C.
Other names: short protein forms G90del.
Identifiers: ClinVar variation 4776094 (VCV004776094.1).